The following is an entry in ClinVar:

NM_199420.4(POLQ):c.868G>A (p.Val290Ile)

Gene: POLQ (DNA polymerase theta; minus strand). Cytogenetic location: 3q13.33.
Variant type: single nucleotide variant.
Coding change: c.868G>A on transcript NM_199420.4 (MANE Select); coding-DNA position 868, G replaced by A.
Protein change: p.Val290Ile; replaces valine 290 with isoleucine.
Molecular consequence: missense variant.
Genome position (GRCh38, 1-based): chr3:121,533,082, C>T on the plus strand (G>A on the coding strand, the complement: POLQ is on the minus strand). VCF-style: chr3-121533082-C-T. GRCh37 (hg19) VCF-style: chr3-121251929-C-T.
Other names: short protein forms V290I.
Identifiers: ClinVar variation 1764315 (VCV001764315.2), dbSNP rs775840350, ClinGen allele CA354126234.
Genomic context (GRCh38, chr3:121,533,082, plus strand): 5'-CAAGTTTCATTGAAGAGTCATATATGGAATTTCCAACTTTTACTGACTCCAAAAGCGGTA[C>T]AGGGCGAAAGTCGGTATGGTAGAGTTCAGCATTCAACCAGGAAGCCACAAGCTCCAAATT-3'
Protein context (NP_955452.3, residues 280-300): AELYHTDFRP[Val290Ile]PLLESVKVGN

ClinVar aggregate classification (germline): Uncertain significance (1 of 4 stars; one submission).

Submission:

Ambry Genetics
Classification: Uncertain significance. Last evaluated: 2021-06-20. Review status: criteria provided, single submitter. Criteria: Ambry Variant Classification Scheme 2023. Collection method: clinical testing. Allele origin: germline.
Comment: The p.V290I variant (also known as c.868G>A), located in coding exon 6 of the POLQ gene, results from a G to A substitution at nucleotide position 868. The valine at codon 290 is replaced by isoleucine, an amino acid with highly similar properties. This amino acid position is conserved. In addition, this alteration is predicted to be tolerated by in silico analysis. Since supporting evidence is limited at this time, the clinical significance of this alteration remains unclear.